The following is an entry in ClinVar:

NM_000059.4(BRCA2):c.7490A>G (p.Lys2497Arg)

Gene: BRCA2 (BRCA2 DNA repair associated; plus strand). Cytogenetic location: 13q13.1.
Variant type: single nucleotide variant.
Coding change: c.7490A>G on transcript NM_000059.4 (MANE Select); coding-DNA position 7490, A replaced by G.
Protein change: p.Lys2497Arg; replaces lysine 2497 with arginine.
Molecular consequence: missense variant.
Genome position (GRCh38, 1-based): chr13:32,356,482, A>G. VCF-style: chr13-32356482-A-G. GRCh37 (hg19) VCF-style: chr13-32930619-A-G.
Other names: short protein forms K2497R.
Identifiers: ClinVar variation 863255 (VCV000863255.11), dbSNP rs2072696359, ClinGen allele CA387743345.

ClinVar aggregate classification (germline): Uncertain significance. Review status: criteria provided, multiple submitters, no conflicts (2 of 4 stars). 2 submissions from 2 submitters: Uncertain significance (2). Last evaluated 2025-01-19.

Conditions:
Hereditary cancer-predisposing syndrome. Also called: Hereditary Cancer Syndrome; Tumor predisposition; Neoplastic Syndromes, Hereditary; Hereditary neoplastic syndrome. Identifiers: Orphanet 140162, MedGen C0027672, MeSH D009386, MONDO:0015356.
Hereditary breast ovarian cancer syndrome. Also called: Hereditary breast and ovarian cancer syndrome; Hereditary breast and/or ovarian cancer syndrome; Hereditary breast and ovarian cancer syndrome (HBOC); Breast and ovarian cancer; Hereditary breast and ovarian cancer; BRCA1- and BRCA2-Associated Hereditary Breast and Ovarian Cancer. Identifiers: Orphanet 145, MedGen C0677776, MeSH D061325, MONDO:0003582. Disease mechanism: loss of function.

Submissions (2):

Color Diagnostics, LLC DBA Color Health
Classification: Uncertain significance for Hereditary cancer-predisposing syndrome. Last evaluated: 2025-01-19. Review status: criteria provided, single submitter. Criteria: ACMG Guidelines, 2015. Collection method: clinical testing. Allele origin: germline.
Comment: This missense variant replaces lysine with arginine at codon 2497 of the BRCA2 protein. Computational prediction suggests that this variant may not impact protein structure and function (internally defined REVEL score threshold <= 0.5, PMID: 27666373). To our knowledge, functional studies have not been reported for this variant. This variant has not been reported in individuals affected with BRCA2-related disorders in the literature. This variant has not been identified in the general population by the Genome Aggregation Database (gnomAD). The available evidence is insufficient to determine the role of this variant in disease conclusively. Therefore, this variant is classified as a Variant of Uncertain Significance.

Labcorp Genetics (formerly Invitae), Labcorp
Classification: Uncertain significance for Hereditary breast ovarian cancer syndrome. Last evaluated: 2019-02-19. Review status: criteria provided, single submitter. Criteria: Invitae Variant Classification Sherloc (09022015). Collection method: clinical testing. Allele origin: germline.
Comment: In summary, the available evidence is currently insufficient to determine the role of this variant in disease. Therefore, it has been classified as a Variant of Uncertain Significance. Algorithms developed to predict the effect of missense changes on protein structure and function (SIFT, PolyPhen-2, Align-GVGD) all suggest that this variant is likely to be tolerated, but these predictions have not been confirmed by published functional studies and their clinical significance is uncertain. This variant has not been reported in the literature in individuals with BRCA2-related conditions. This variant is not present in population databases (ExAC no frequency). This sequence change replaces lysine with arginine at codon 2497 of the BRCA2 protein (p.Lys2497Arg). The lysine residue is highly conserved and there is a small physicochemical difference between lysine and arginine.